The following is an entry in ClinVar:

NM_005591.4(MRE11):c.193A>T (p.Asn65Tyr)

Gene: MRE11 (MRE11 double strand break repair nuclease; minus strand). Cytogenetic location: 11q21.
Variant type: single nucleotide variant.
Coding change: c.193A>T on transcript NM_005591.4 (MANE Select); coding-DNA position 193, A replaced by T.
Protein change: p.Asn65Tyr; replaces asparagine 65 with tyrosine.
Molecular consequence: missense variant.
Genome position (GRCh38, 1-based): chr11:94,486,045, T>A on the plus strand (A>T on the coding strand, the complement: MRE11 is on the minus strand). VCF-style: chr11-94486045-T-A. GRCh37 (hg19) VCF-style: chr11-94219211-T-A.
Other names: c.193A>T, p.Asn65Tyr (NM_001330347.2, NM_005590.4); short protein forms N65Y.
Identifiers: ClinVar variation 2465720 (VCV002465720.3), dbSNP rs1947135355, ClinGen allele CA382379788.

ClinVar aggregate classification (germline): Uncertain significance (1 of 4 stars; one submission).

Conditions:
Hereditary cancer-predisposing syndrome. Also called: Neoplastic Syndromes, Hereditary; Hereditary neoplastic syndrome; Tumor predisposition; Hereditary Cancer Syndrome. Identifiers: Orphanet 140162, MedGen C0027672, MeSH D009386, MONDO:0015356.

Submission:

Ambry Genetics
Classification: Uncertain significance for Hereditary cancer-predisposing syndrome. Last evaluated: 2025-10-27. Review status: criteria provided, single submitter. Criteria: Ambry Variant Classification Scheme 2023. Collection method: clinical testing. Allele origin: germline.
Comment: The p.N65Y variant (also known as c.193A>T), located in coding exon 3 of the MRE11A gene, results from an A to T substitution at nucleotide position 193. The asparagine at codon 65 is replaced by tyrosine, an amino acid with dissimilar properties. This amino acid position is conserved. In addition, this alteration is predicted to be deleterious by in silico analysis. Since supporting evidence is limited at this time, the clinical significance of this alteration remains unclear.